The following is an entry in ClinVar:

NM_032545.4(CFC1):c.36G>T (p.Thr12=)

Gene: CFC1 (cryptic, EGF-CFC family member 1; minus strand). Cytogenetic location: 2q21.1.
Variant type: single nucleotide variant.
Coding change: c.36G>T on transcript NM_032545.4 (MANE Select); coding-DNA position 36, G replaced by T.
Protein change: p.Thr12=; no amino-acid change (threonine 12 retained).
Molecular consequence: synonymous variant.
Genome position (GRCh38, 1-based): chr2:130,598,947, C>A on the plus strand (G>T on the coding strand, the complement: CFC1 is on the minus strand). VCF-style: chr2-130598947-C-A. GRCh37 (hg19) VCF-style: chr2-131356520-C-A.
Other names: c.36G>T, p.Thr12= (NM_001270420.2, NM_001270421.2).
Identifiers: ClinVar variation 1302607 (VCV001302607.2), dbSNP rs1382891010, ClinGen allele CA428721352.

ClinVar aggregate classification (germline): Uncertain significance (1 of 4 stars; one submission).

Submission:

GeneDx
Classification: Uncertain significance. Last evaluated: 2019-04-25. Review status: criteria provided, single submitter. Criteria: GeneDx Variant Classification Process June 2021. Collection method: clinical testing. Allele origin: germline. Affected: yes.
Comment: Not observed in large population cohorts (Lek et al., 2016); In silico analysis, which includes splice predictors and evolutionary conservation, supports a deleterious effect; Has not been previously published as pathogenic or benign to our knowledge